The following is an entry in ClinVar:

NM_002609.4(PDGFRB):c.805C>G (p.Pro269Ala)

Gene: PDGFRB (platelet derived growth factor receptor beta; minus strand). Cytogenetic location: 5q32.
Variant type: single nucleotide variant.
Coding change: c.805C>G on transcript NM_002609.4 (MANE Select); coding-DNA position 805, C replaced by G.
Protein change: p.Pro269Ala; replaces proline 269 with alanine.
Molecular consequence: missense variant.
Genome position (GRCh38, 1-based): chr5:150,133,715, G>C on the plus strand (C>G on the coding strand, the complement: PDGFRB is on the minus strand). VCF-style: chr5-150133715-G-C. GRCh37 (hg19) VCF-style: chr5-149513278-G-C.
Other names: c.613C>G, p.Pro205Ala (NM_001355016.2); c.322C>G, p.Pro108Ala (NM_001355017.2); short protein forms P205A, P269A, P108A.
Identifiers: ClinVar variation 2952092 (VCV002952092.3), dbSNP rs1760543023, ClinGen allele CA361721683.

ClinVar aggregate classification (germline): Uncertain significance (1 of 4 stars; one submission).

Conditions:
Infantile myofibromatosis (IMF). Also called: Congenital generalized fibromatosis. Identifiers: Orphanet 2591, MedGen C0432284, MONDO:0016824.
Skeletal overgrowth-craniofacial dysmorphism-hyperelastic skin-white matter lesions syndrome. Also called: SKELETAL OVERGROWTH WITH FACIAL DYSMORPHISM, HYPERELASTIC SKIN, WHITE MATTER LESIONS, AND NEUROLOGIC DETERIORATION; Kosaki overgrowth syndrome. Identifiers: Orphanet 477831, MedGen C4225270, MONDO:0014704, OMIM 616592.
Acroosteolysis-keloid-like lesions-premature aging syndrome. Also called: Premature aging syndrome, Penttinen type; Prematurely aged appearance, delayed bone maturation, acro-osteolysis, and brachydactyly; Progeroid syndrome, Penttinen type. Identifiers: Orphanet 363665, MedGen C1866182, MONDO:0011150, OMIM 601812.
Basal ganglia calcification, idiopathic, 4 (PFBC4). Also called: Familial Idiopathic Basal Ganglia Calcification 4; PRIMARY FAMILIAL BRAIN CALCIFICATION 4, AUTOSOMAL DOMINANT. Identifiers: Orphanet 1980, MedGen C3554321, MONDO:0014004, OMIM 615007.

Submission:

Labcorp Genetics (formerly Invitae), Labcorp
Classification: Uncertain significance for Basal ganglia calcification, idiopathic, 4; Skeletal overgrowth-craniofacial dysmorphism-hyperelastic skin-white matter lesions syndrome; Infantile myofibromatosis; Acroosteolysis-keloid-like lesions-premature aging syndrome. Last evaluated: 2023-10-29. Review status: criteria provided, single submitter. Criteria: Invitae Variant Classification Sherloc (09022015). Collection method: clinical testing. Allele origin: germline.
Comment: This sequence change replaces proline, which is neutral and non-polar, with alanine, which is neutral and non-polar, at codon 269 of the PDGFRB protein (p.Pro269Ala). This variant is not present in population databases (gnomAD no frequency). This variant has not been reported in the literature in individuals affected with PDGFRB-related conditions. Advanced modeling of protein sequence and biophysical properties (such as structural, functional, and spatial information, amino acid conservation, physicochemical variation, residue mobility, and thermodynamic stability) performed at Invitae indicates that this missense variant is not expected to disrupt PDGFRB protein function with a negative predictive value of 95%. In summary, the available evidence is currently insufficient to determine the role of this variant in disease. Therefore, it has been classified as a Variant of Uncertain Significance.